The following is an entry in ClinVar:

NM_000400.4(ERCC2):c.1585G>T (p.Ala529Ser)

Gene: ERCC2 (ERCC excision repair 2, TFIIH core complex helicase subunit; minus strand). Cytogenetic location: 19q13.32.
Variant type: single nucleotide variant.
Coding change: c.1585G>T on transcript NM_000400.4 (MANE Select); coding-DNA position 1585, G replaced by T.
Protein change: p.Ala529Ser; replaces alanine 529 with serine.
Molecular consequence: missense variant.
Genome position (GRCh38, 1-based): chr19:45,354,810, C>A on the plus strand (G>T on the coding strand, the complement: ERCC2 is on the minus strand). VCF-style: chr19-45354810-C-A. GRCh37 (hg19) VCF-style: chr19-45858068-C-A.
Other names: short protein forms A529S.
Identifiers: ClinVar variation 1484198 (VCV001484198.5), dbSNP rs370819591, ClinGen allele CA406365459.

ClinVar aggregate classification (germline): Uncertain significance (1 of 4 stars; one submission).

gnomAD v4.1: 18 of 1,614,116 alleles (0.0011%); highest among the groups gnomAD compares: Non-Finnish European, 0.0015%; no homozygotes.

Submission:

Labcorp Genetics (formerly Invitae), Labcorp
Classification: Uncertain significance. Last evaluated: 2021-08-26. Review status: criteria provided, single submitter. Criteria: Invitae Variant Classification Sherloc (09022015). Collection method: clinical testing. Allele origin: germline.
Comment: This sequence change replaces alanine with serine at codon 529 of the ERCC2 protein (p.Ala529Ser). The alanine residue is moderately conserved and there is a moderate physicochemical difference between alanine and serine. This variant is not present in population databases (ExAC no frequency). This variant has not been reported in the literature in individuals affected with ERCC2-related conditions. Algorithms developed to predict the effect of missense changes on protein structure and function (SIFT, PolyPhen-2, Align-GVGD) all suggest that this variant is likely to be tolerated. In summary, the available evidence is currently insufficient to determine the role of this variant in disease. Therefore, it has been classified as a Variant of Uncertain Significance.